The following is an entry in ClinVar:

NM_020778.5(ALPK3):c.1678G>A (p.Ala560Thr)

Gene: ALPK3 (alpha kinase 3; plus strand). Cytogenetic location: 15q25.3.
Variant type: single nucleotide variant.
Coding change: c.1678G>A on transcript NM_020778.5 (MANE Select); coding-DNA position 1678, G replaced by A.
Protein change: p.Ala560Thr; replaces alanine 560 with threonine.
Molecular consequence: missense variant.
Genome position (GRCh38, 1-based): chr15:84,856,416, G>A. VCF-style: chr15-84856416-G-A. GRCh37 (hg19) VCF-style: chr15-85399647-G-A.
Other names: short protein forms A560T.
Identifiers: ClinVar variation 1788992 (VCV001788992.8), dbSNP rs369523298, ClinGen allele CA7709265.
Genomic context (GRCh38, chr15:84,856,416, plus strand): 5'-GTAGTTAAATCCTTGCTTTTGTCCCTCTGTTTTCAGGTCCTGGAATGCCAGACAACCACG[G>A]CTCCTACCATGTCGGCCAGCAGCAGCTCTGATGTAGCCTCCATTGGGGTTAGCACTTCCG-3'
Protein context (NP_065829.4, residues 550-570): GEVLECQTTT[Ala560Thr]PTMSASSSSD

ClinVar aggregate classification (germline): Conflicting classifications of pathogenicity. Review status: criteria provided, conflicting classifications (1 of 4 stars). 3 submissions from 3 submitters: Uncertain significance (2); Likely benign (1). Last evaluated 2026-08-19.

Conditions:
ALPK3-related disorder. Also called: ALPK3-related condition.
Cardiovascular phenotype. Identifiers: MedGen CN230736.

Allele frequency attached by ClinVar (database versions not stated): gnomAD 0.00003; TOPMed 0.00004; gnomAD exomes 0.00007; ESP Exome Variant Server 0.00008; ExAC 0.00009.
gnomAD v4.1: 101 of 1,606,736 alleles (0.0063%); highest among the groups gnomAD compares: Non-Finnish European, 0.0082%; no homozygotes.

Submissions (3):

PreventionGenetics, part of Exact Sciences
Classification: Uncertain significance for ALPK3-related condition. Last evaluated: 2026-08-19. Review status: criteria provided, single submitter. Criteria: ACMG Guidelines, 2015. Collection method: clinical testing. Allele origin: germline.
Comment: The ALPK3 c.2284G>A variant is predicted to result in the amino acid substitution p.Ala762Thr. To our knowledge, this variant has not been reported in the literature. This variant is reported in 0.012% of alleles in individuals of European (Non-Finnish) descent in gnomAD. At this time, the clinical significance of this variant is uncertain due to the absence of conclusive functional and genetic evidence.

Ambry Genetics
Classification: Likely benign for Cardiovascular phenotype. Last evaluated: 2025-11-24. Review status: criteria provided, single submitter. Criteria: Ambry Variant Classification Scheme 2023. Collection method: clinical testing. Allele origin: germline.

Labcorp Genetics (formerly Invitae), Labcorp
Classification: Uncertain significance. Last evaluated: 2024-10-29. Review status: criteria provided, single submitter. Criteria: Invitae Variant Classification Sherloc (09022015). Collection method: clinical testing. Allele origin: germline.
Comment: This sequence change replaces alanine, which is neutral and non-polar, with threonine, which is neutral and polar, at codon 762 of the ALPK3 protein (p.Ala762Thr). This variant is present in population databases (rs369523298, gnomAD 0.01%). This variant has not been reported in the literature in individuals affected with ALPK3-related conditions. ClinVar contains an entry for this variant (Variation ID: 1788992). Invitae Evidence Modeling of protein sequence and biophysical properties (such as structural, functional, and spatial information, amino acid conservation, physicochemical variation, residue mobility, and thermodynamic stability) indicates that this missense variant is not expected to disrupt ALPK3 protein function with a negative predictive value of 80%. In summary, the available evidence is currently insufficient to determine the role of this variant in disease. Therefore, it has been classified as a Variant of Uncertain Significance.